The following is an entry in ClinVar:

NM_001111.5(ADAR):c.3641A>G (p.Lys1214Arg)

Gene: ADAR (adenosine deaminase RNA specific; minus strand). Cytogenetic location: 1q21.3.
Variant type: single nucleotide variant.
Coding change: c.3641A>G on transcript NM_001111.5 (MANE Select); coding-DNA position 3641, A replaced by G.
Protein change: p.Lys1214Arg; replaces lysine 1214 with arginine.
Molecular consequence: missense variant.
Genome position (GRCh38, 1-based): chr1:154,584,846, T>C on the plus strand (A>G on the coding strand, the complement: ADAR is on the minus strand). VCF-style: chr1-154584846-T-C. GRCh37 (hg19) VCF-style: chr1-154557322-T-C.
Other names: c.2756A>G, p.Lys919Arg (NM_001365047.1, NM_001365048.1, NM_001025107.3 and 2 more transcripts); c.2678A>G, p.Lys893Arg (NM_001365049.1); c.3563A>G, p.Lys1188Arg (NM_015840.4); c.3506A>G, p.Lys1169Arg (NM_015841.4); c.3668A>G, p.Lys1223Arg (NM_001365045.1); short protein forms K1169R, K1188R, K1214R, K1223R, K893R, K919R.
Identifiers: ClinVar variation 1713499 (VCV001713499.5), dbSNP rs2526442794, ClinGen allele CA342634499.

ClinVar aggregate classification (germline): Uncertain significance (1 of 4 stars; one submission).

Conditions:
Aicardi-Goutieres syndrome 6 (AGS6). Identifiers: Orphanet 51, MedGen C3539013, MONDO:0014007, OMIM 615010.
Symmetrical dyschromatosis of extremities (DSH). Also called: DYSCHROMATOSIS SYMMETRICA HEREDITARIA 1; Dyschromatosis symmetrica hereditaria; RETICULATE ACROPIGMENTATION OF DOHI; SYMMETRIC DYSCHROMATOSIS OF THE EXTREMITIES. Identifiers: Orphanet 41, MedGen C0406775, MONDO:0007483, OMIM 127400.

Allele frequency attached by ClinVar (database versions not stated): gnomAD exomes below 0.00001.
gnomAD v4.1: 2 of 1,614,198 alleles (0.00012%); highest among the groups gnomAD compares: African/African-American, 0.0013%; no homozygotes.

Submission:

Labcorp Genetics (formerly Invitae), Labcorp
Classification: Uncertain significance for Aicardi-Goutieres syndrome 6; Symmetrical dyschromatosis of extremities. Last evaluated: 2022-07-15. Review status: criteria provided, single submitter. Criteria: Invitae Variant Classification Sherloc (09022015). Collection method: clinical testing. Allele origin: germline.
Comment: In summary, the available evidence is currently insufficient to determine the role of this variant in disease. Therefore, it has been classified as a Variant of Uncertain Significance. Algorithms developed to predict the effect of missense changes on protein structure and function are either unavailable or do not agree on the potential impact of this missense change (SIFT: "Tolerated"; PolyPhen-2: "Probably Damaging"; Align-GVGD: "Class C0"). This variant has not been reported in the literature in individuals affected with ADAR-related conditions. This variant is not present in population databases (gnomAD no frequency). This sequence change replaces lysine, which is basic and polar, with arginine, which is basic and polar, at codon 1214 of the ADAR protein (p.Lys1214Arg).